The following is an entry in ClinVar:

ClinVar aggregate classification (germline): Conflicting classifications of pathogenicity. Review status: criteria provided, conflicting classifications (1 of 4 stars). 5 submissions from 5 submitters: Uncertain significance (4); Likely benign (1). Last evaluated 2025-04-10.

Conditions:
Endometrial carcinoma. Also called: Endometrial carcinoma, somatic. Identifiers: MedGen C0476089, MONDO:0002447, OMIM 608089, HP:0012114.
Hereditary cancer-predisposing syndrome. Also called: Neoplastic Syndromes, Hereditary; Tumor predisposition; Hereditary neoplastic syndrome; Hereditary Cancer Syndrome. Identifiers: Orphanet 140162, MedGen C0027672, MeSH D009386, MONDO:0015356.

Allele frequency attached by ClinVar (database versions not stated): gnomAD exomes below 0.00001; ExAC 0.00001; TOPMed 0.00001.
gnomAD v4.1: 4 of 1,612,348 alleles (0.00025%); highest among the groups gnomAD compares: Non-Finnish European, 0.00034%; no homozygotes.

Submissions (5):

Ambry Genetics
Classification: Likely benign for Hereditary cancer-predisposing syndrome. Last evaluated: 2025-04-10. Review status: criteria provided, single submitter. Criteria: Ambry Variant Classification Scheme 2023. Collection method: clinical testing. Allele origin: germline.

GeneDx
Classification: Uncertain significance. Last evaluated: 2025-03-19. Review status: criteria provided, single submitter. Criteria: GeneDx Variant Classification Process June 2021. Collection method: clinical testing. Allele origin: germline. Affected: yes.
Comment: Not observed at significant frequency in large population cohorts (gnomAD); In silico analysis indicates that this missense variant does not alter protein structure/function; Has not been previously published as pathogenic or benign to our knowledge

Baylor Genetics
Classification: Uncertain significance for Endometrial carcinoma. Last evaluated: 2024-03-04. Review status: criteria provided, single submitter. Criteria: ACMG Guidelines, 2015. Collection method: clinical testing. Allele origin: unknown.

Labcorp Genetics (formerly Invitae), Labcorp
Classification: Uncertain significance. Last evaluated: 2023-12-27. Review status: criteria provided, single submitter. Criteria: Invitae Variant Classification Sherloc (09022015). Collection method: clinical testing. Allele origin: germline.
Comment: This sequence change replaces serine, which is neutral and polar, with leucine, which is neutral and non-polar, at codon 186 of the MSH3 protein (p.Ser186Leu). The frequency data for this variant in the population databases is considered unreliable, as metrics indicate poor data quality at this position in the gnomAD database. This variant has not been reported in the literature in individuals affected with MSH3-related conditions. ClinVar contains an entry for this variant (Variation ID: 838365). Algorithms developed to predict the effect of missense changes on protein structure and function output the following: SIFT: "Not Available"; PolyPhen-2: "Benign"; Align-GVGD: "Not Available". The leucine amino acid residue is found in multiple mammalian species, which suggests that this missense change does not adversely affect protein function. In summary, the available evidence is currently insufficient to determine the role of this variant in disease. Therefore, it has been classified as a Variant of Uncertain Significance.

Sema4
Classification: Uncertain significance for Hereditary cancer-predisposing syndrome. Last evaluated: 2022-01-12. Review status: criteria provided, single submitter. Criteria: Sema4 Curation Guidelines. Collection method: curation. Allele origin: germline.
Comment: The MSH3 c.557C>T (p.S186L) variant has not been reported in the literature to our knowledge. It was observed in 1/113462 chromosomes of the European (non- Finnish) subpopulation in the large and broad cohorts of the Genome Aggregation Database (PMID: 32461654). This variant has been reported in ClinVar (Variation ID: 838365). Functional studies have not been performed, and in silico predictions of the variant's effect on protein function are inconclusive. The evidence is insufficient to meet ACMG/AMP criteria for classifying the variant as benign or pathogenic. Thus, the clinical significance of this variant is currently uncertain.

NM_002439.5(MSH3):c.557C>T (p.Ser186Leu)

Gene: MSH3 (mutS homolog 3; plus strand). Cytogenetic location: 5q14.1.
Variant type: single nucleotide variant.
Coding change: c.557C>T on transcript NM_002439.5 (MANE Select); coding-DNA position 557, C replaced by T.
Protein change: p.Ser186Leu; replaces serine 186 with leucine.
Molecular consequence: missense variant.
Genome position (GRCh38, 1-based): chr5:80,665,341, C>T. VCF-style: chr5-80665341-C-T. GRCh37 (hg19) VCF-style: chr5-79961160-C-T.
Other names: short protein forms S186L.
Identifiers: ClinVar variation 838365 (VCV000838365.14), dbSNP rs750366331, ClinGen allele CA3327632.
Genomic context (GRCh38, chr5:80,665,341, plus strand): 5'-GTACTGATTTTGATGATATCAGTCTTCTACACGCAAAGAATGCAGTTTCTTCTGAAGATT[C>T]GAAACGTCAAATTAATCAAAAGGTATGTAACTGCTATAGATGAGTATCCAGTTACCTAGA-3'
Protein context (NP_002430.3, residues 176-196): HAKNAVSSED[Ser186Leu]KRQINQKDTT